The following is an entry in ClinVar:

NM_015047.3(EMC1):c.16G>T (p.Ala6Ser)

Gene: EMC1 (ER membrane protein complex subunit 1; minus strand). Cytogenetic location: 1p36.13.
Variant type: single nucleotide variant.
Coding change: c.16G>T on transcript NM_015047.3 (MANE Select); coding-DNA position 16, G replaced by T.
Protein change: p.Ala6Ser; replaces alanine 6 with serine.
Molecular consequence: missense variant.
Genome position (GRCh38, 1-based): chr1:19,251,494, C>A on the plus strand (G>T on the coding strand, the complement: EMC1 is on the minus strand). VCF-style: chr1-19251494-C-A. GRCh37 (hg19) VCF-style: chr1-19577988-C-A.
Other names: c.16G>T, p.Ala6Ser (NM_001271427.2, NM_001271428.2, NM_001271429.2 and 2 more transcripts); short protein forms A6S.
Identifiers: ClinVar variation 1719539 (VCV001719539.5), dbSNP rs2536850639, ClinGen allele CA338776084.

ClinVar aggregate classification (germline): Uncertain significance (1 of 4 stars; one submission).

Submission:

Labcorp Genetics (formerly Invitae), Labcorp
Classification: Uncertain significance. Last evaluated: 2022-09-15. Review status: criteria provided, single submitter. Criteria: Invitae Variant Classification Sherloc (09022015). Collection method: clinical testing. Allele origin: germline.
Comment: This sequence change replaces alanine, which is neutral and non-polar, with serine, which is neutral and polar, at codon 6 of the EMC1 protein (p.Ala6Ser). This variant is not present in population databases (gnomAD no frequency). This variant has not been reported in the literature in individuals affected with EMC1-related conditions. Algorithms developed to predict the effect of missense changes on protein structure and function (SIFT, PolyPhen-2, Align-GVGD) all suggest that this variant is likely to be tolerated. In summary, the available evidence is currently insufficient to determine the role of this variant in disease. Therefore, it has been classified as a Variant of Uncertain Significance.